The following is an entry in ClinVar:

ClinVar aggregate classification (germline): Conflicting classifications of pathogenicity. Review status: criteria provided, conflicting classifications (1 of 4 stars). 3 submissions from 3 submitters: Uncertain significance (1); Likely benign (1). 1 of the submissions does not count toward it. Last evaluated 2024-10-02.

Conditions:
Hereditary cancer-predisposing syndrome. Also called: Neoplastic Syndromes, Hereditary; Hereditary Cancer Syndrome; Tumor predisposition; Hereditary neoplastic syndrome. Identifiers: Orphanet 140162, MedGen C0027672, MeSH D009386, MONDO:0015356.
Ataxia-telangiectasia syndrome (AT). Also called: LOUIS-BAR SYNDROME; Cerebello-oculocutaneous telangiectasia; Immunodeficiency with ataxia telangiectasia; Ataxia-telangiectasia, complementation group D; AT, COMPLEMENTATION GROUP C; Ataxia-telangiectasia, complementation group E. Identifiers: Orphanet 100, MedGen C0004135, MONDO:0008840, OMIM 208900.

Allele frequency attached by ClinVar (database versions not stated): ExAC 0.00002; gnomAD exomes 0.00001 and below 0.00001.
gnomAD v4.1: 4 of 1,612,286 alleles (0.00025%); highest among the groups gnomAD compares: East Asian, 0.0089%; no homozygotes.

Submissions (3):

Labcorp Genetics (formerly Invitae), Labcorp
Classification: Likely benign for Ataxia-telangiectasia syndrome. Last evaluated: 2024-10-02. Review status: criteria provided, single submitter. Criteria: Invitae Variant Classification Sherloc (09022015). Collection method: clinical testing. Allele origin: germline.

Color Diagnostics, LLC DBA Color Health
Classification: Uncertain significance for Hereditary cancer-predisposing syndrome. Last evaluated: 2019-11-18. Review status: criteria provided, single submitter. Criteria: ACMG Guidelines, 2015. Collection method: clinical testing. Allele origin: germline.
Comment: This variant causes a T>G nucleotide substitution at the -10 position of intron 49 of the ATM gene. Splice site prediction tools are inconclusive regarding the impact of this variant on RNA splicing. To our knowledge, functional studies have not been performed for this variant. This variant has not been reported in individuals affected with hereditary cancer in the literature. This variant has been identified in 3/249854 chromosomes in the general population by the Genome Aggregation Database (gnomAD). The available evidence is insufficient to determine the role of this variant in disease conclusively. Therefore, this variant is classified as a Variant of Uncertain Significance.

Natera, Inc.
Classification: Uncertain significance for Ataxia-telangiectasia. Last evaluated: 2019-10-28. Review status: no assertion criteria provided. Collection method: clinical testing. Allele origin: germline. Not counted in ClinVar's aggregate classification.

NM_000051.4(ATM):c.7308-10T>G

Genes: ATM (ATM serine/threonine kinase; plus strand), C11orf65 (chromosome 11 open reading frame 65; minus strand). Cytogenetic location: 11q22.3.
Variant type: single nucleotide variant.
Coding change: c.7308-10T>G on transcript NM_000051.4 (MANE Select); 10 bases into the intron before coding-DNA position 7308, T replaced by G.
Molecular consequence: intron variant.
Genome position (GRCh38, 1-based): chr11:108,330,204, T>G. VCF-style: chr11-108330204-T-G. GRCh37 (hg19) VCF-style: chr11-108200931-T-G.
Other names: c.7308-10T>G (NM_001351834.2); c.641-21133A>C (NM_001330368.2); c.*38+5016A>C (NM_001351110.2).
Identifiers: ClinVar variation 407495 (VCV000407495.23), dbSNP rs745319720, ClinGen allele CA6266094.